The following is an entry in ClinVar:

ClinVar aggregate classification (germline): Benign (0 of 4 stars; one submission).

Conditions:
NCAPD3-related disorder. Also called: NCAPD3-related condition.

Allele frequency attached by ClinVar (database versions not stated): ExAC 0.00091; 1000 Genomes Project 0.00240; gnomAD 0.00265; 1000 Genomes Project 30x 0.00281; TOPMed 0.00282; ESP Exome Variant Server 0.00346.
gnomAD v4.1: 742 of 1,570,438 alleles (0.047%); highest among the groups gnomAD compares: African/African-American, 0.91%; 4 homozygotes.

Submission:

PreventionGenetics, part of Exact Sciences
Classification: Benign for NCAPD3-related condition. Last evaluated: 2019-12-11. Review status: no assertion criteria provided. Collection method: clinical testing. Allele origin: germline.
Comment: This variant is classified as benign based on ACMG/AMP sequence variant interpretation guidelines (Richards et al. 2015 PMID: 25741868, with internal and published modifications).

NM_015261.3(NCAPD3):c.4469G>A (p.Arg1490Gln)

Gene: NCAPD3 (non-SMC condensin II complex subunit D3; minus strand). Cytogenetic location: 11q25.
Variant type: single nucleotide variant.
Coding change: c.4469G>A on transcript NM_015261.3 (MANE Select); coding-DNA position 4469, G replaced by A.
Protein change: p.Arg1490Gln; replaces arginine 1490 with glutamine.
Molecular consequence: missense variant. On other transcripts: intron variant (1).
Genome position (GRCh38, 1-based): chr11:134,152,972, C>T on the plus strand (G>A on the coding strand, the complement: NCAPD3 is on the minus strand). VCF-style: chr11-134152972-C-T. GRCh37 (hg19) VCF-style: chr11-134022867-C-T.
Other names: c.4427G>A, p.Arg1476Gln (NM_001372068.1); c.4055G>A, p.Arg1352Gln (NM_001372069.1, NM_001372070.1); c.4327+317G>A (NM_001372065.1); short protein forms R1352Q, R1476Q, R1490Q.
Identifiers: ClinVar variation 3052363 (VCV003052363.2), dbSNP rs147905924, ClinGen allele CA6370360.